The following is an entry in ClinVar:

ClinVar aggregate classification (germline): Benign/Likely benign. Review status: criteria provided, multiple submitters, no conflicts (2 of 4 stars). 3 submissions from 3 submitters: Benign (1); Likely benign (2). Last evaluated 2026-07-22.

Conditions:
Hereditary cancer-predisposing syndrome. Also called: Hereditary neoplastic syndrome; Neoplastic Syndromes, Hereditary; Tumor predisposition; Hereditary Cancer Syndrome. Identifiers: Orphanet 140162, MedGen C0027672, MeSH D009386, MONDO:0015356.
Rhabdoid tumor predisposition syndrome 2 (RTPS2). Identifiers: Orphanet 231108, Orphanet 69077, MedGen C2750074, MONDO:0013224, OMIM 613325.

Submissions (3):

Myriad Genetics, Inc.
Classification: Benign for Rhabdoid tumor predisposition syndrome 2. Last evaluated: 2026-07-22. Review status: criteria provided, single submitter. Criteria: Myriad Autosomal Dominant, Autosomal Recessive and X-Linked Classification Criteria (2023). Collection method: clinical testing. Allele origin: unknown.
Comment: This variant is considered benign. This variant is a silent/synonymous amino acid change and it is not expected to impact splicing.

Labcorp Genetics (formerly Invitae), Labcorp
Classification: Likely benign for Rhabdoid tumor predisposition syndrome 2. Last evaluated: 2024-06-21. Review status: criteria provided, single submitter. Criteria: Invitae Variant Classification Sherloc (09022015). Collection method: clinical testing. Allele origin: germline.

Ambry Genetics
Classification: Likely benign for Hereditary cancer-predisposing syndrome. Last evaluated: 2020-01-14. Review status: criteria provided, single submitter. Criteria: Ambry Variant Classification Scheme 2023. Collection method: clinical testing. Allele origin: germline.

NM_003072.5(SMARCA4):c.4467C>T (p.Pro1489=)

Gene: SMARCA4 (SWI/SNF related BAF chromatin remodeling complex subunit ATPase 4; plus strand). Cytogenetic location: 19p13.2.
Variant type: single nucleotide variant.
Coding change: c.4467C>T on transcript NM_003072.5 (MANE Select); coding-DNA position 4467, C replaced by T.
Protein change: p.Pro1489=; no amino-acid change (proline 1489 retained).
Molecular consequence: synonymous variant. On other transcripts: non-coding transcript variant (1).
Genome position (GRCh38, 1-based): chr19:11,058,297, C>T. VCF-style: chr19-11058297-C-T. GRCh37 (hg19) VCF-style: chr19-11168973-C-T.
Other names: c.4467C>T, p.Pro1489= (NM_001128844.3); c.4377C>T, p.Pro1459= (NM_001128845.2); c.4374C>T, p.Pro1458= (NM_001128846.2); c.4368C>T, p.Pro1456= (NM_001128847.4, NM_001374457.1); c.4365C>T, p.Pro1455= (NM_001128848.2); c.4563C>T, p.Pro1521= (NM_001128849.3, NM_001387283.1); c.4464C>T, p.Pro1488= (NM_001411150.1).
Identifiers: ClinVar variation 1741506 (VCV001741506.6), dbSNP rs2076661548, ClinGen allele CA505494796.
Genomic context (GRCh38, chr19:11,058,297, plus strand): 5'-GCCGGTTCTGCCTTGCAGCAGCAGTGGACGTCAGCTCAGCGAGGTCTTCATCCAGCTGCC[C>T]TCGCGAAAGGAGCTGCCCGAGTACTACGAGCTCATCCGCAAGCCCGTGGACTTCAAGAAG-3'
Protein context (NP_003063.2, residues 1479-1499): RQLSEVFIQL[Pro1489=]SRKELPEYYE